The following is an entry in ClinVar:

ClinVar aggregate classification (germline): Likely benign. Review status: criteria provided, multiple submitters, no conflicts (2 of 4 stars). 2 submissions from 2 submitters: Likely benign (2). Last evaluated 2026-01-01.

Conditions:
Early-infantile DEE. Also called: Early infantile epileptic encephalopathy; Early infantile epileptic encephalopathy with suppression bursts; Ohtahara syndrome. Identifiers: Orphanet 1934, MedGen C0393706, MONDO:0800491.

Submissions (2):

CeGaT Center for Human Genetics Tuebingen
Classification: Likely benign. Last evaluated: 2026-01-01. Review status: criteria provided, single submitter. Criteria: CeGaT Center For Human Genetics Tuebingen Variant Classification Criteria Version 2. Collection method: clinical testing. Allele origin: germline. Affected: yes. Observed: 1 variant allele.
Comment: KCNH5: BS2

Labcorp Genetics (formerly Invitae), Labcorp
Classification: Likely benign for Early-infantile DEE. Last evaluated: 2025-07-30. Review status: criteria provided, single submitter. Criteria: Invitae Variant Classification Sherloc (09022015). Collection method: clinical testing. Allele origin: germline.

NM_139318.5(KCNH5):c.2890dup (p.Gln964fs)

Gene: KCNH5 (potassium voltage-gated channel subfamily H member 5; minus strand). Cytogenetic location: 14q23.2.
Variant type: Duplication.
Coding change: c.2890dup on transcript NM_139318.5 (MANE Select); coding-DNA position 2890, one base duplicated (C; older notation c.2890dupC).
Protein change: p.Gln964fs; shifts the reading frame from glutamine 964.
Molecular consequence: frameshift variant. On other transcripts: 3 prime UTR variant (1).
Genome position (GRCh38, 1-based): chr14:62,707,585, G duplicated on the plus strand (C on the coding strand, the reverse complement: KCNH5 is on the minus strand); the first of 7 consecutive G bases (chr14:62,707,585-62,707,591); duplicating any one gives the same sequence. VCF-style (leftmost placement, unchanged base first): chr14-62707584-T-TG. GRCh37 (hg19) VCF-style: chr14-63174302-T-TG.
Other names: c.2890dupC (NM_139318.4); c.*857dup (NM_172375.3); short protein forms Q964fs.
Identifiers: ClinVar variation 661495 (VCV000661495.13), dbSNP rs35940222, ClinGen allele CA7217157.
Genomic context (GRCh38, chr14:62,707,584, plus strand): 5'-TCTTTGTCAGATTCAGGTGATTCAGGCCTTGAGACACTAAAAATATCCTGACATGGTATC[T>TG]GGGGGGGTACTTGGAGTGGCATTTGGGATTTGGGAGATGAGGCCTGGGGTACGCTTTTTT-3'